The following is an entry in ClinVar:

NM_021729.6(VPS11):c.268C>A (p.Leu90Met)

Gene: VPS11 (VPS11 core subunit of CORVET and HOPS complexes; plus strand). Cytogenetic location: 11q23.3.
Variant type: single nucleotide variant.
Coding change: c.268C>A on transcript NM_021729.6 (MANE Select); coding-DNA position 268, C replaced by A.
Protein change: p.Leu90Met; replaces leucine 90 with methionine.
Molecular consequence: missense variant. On other transcripts: non-coding transcript variant (8).
Genome position (GRCh38, 1-based): chr11:119,069,276, C>A. VCF-style: chr11-119069276-C-A. GRCh37 (hg19) VCF-style: chr11-118939986-C-A.
Other names: c.238C>A, p.Leu80Met (NM_001290185.2, NM_001378221.1); c.268C>A, p.Leu90Met (NM_001378218.1, NM_001378219.1, NM_001378220.1); short protein forms L80M, L90M.
Identifiers: ClinVar variation 1720796 (VCV001720796.5), dbSNP rs2497274523, ClinGen allele CA382961817.
Genomic context (GRCh38, chr11:119,069,276, plus strand): 5'-TTCTTGCCACGTTCCCTACAGCTTACAGGCTTCCAAGCCTACAAACTACGGGTGACACAC[C>A]TGTACCAACTGAAGCAGCACAATATTCTGGCATCTGTTGGAGAAGATGAAGAGGGCATCA-3'
Protein context (NP_068375.3, residues 80-100): FQAYKLRVTH[Leu90Met]YQLKQHNILA

ClinVar aggregate classification (germline): Uncertain significance (1 of 4 stars; one submission).

Submission:

Labcorp Genetics (formerly Invitae), Labcorp
Classification: Uncertain significance. Last evaluated: 2023-12-07. Review status: criteria provided, single submitter. Criteria: Invitae Variant Classification Sherloc (09022015). Collection method: clinical testing. Allele origin: germline.
Comment: This sequence change replaces leucine, which is neutral and non-polar, with methionine, which is neutral and non-polar, at codon 90 of the VPS11 protein (p.Leu90Met). This variant is not present in population databases (gnomAD no frequency). This variant has not been reported in the literature in individuals affected with VPS11-related conditions. ClinVar contains an entry for this variant (Variation ID: 1720796). Advanced modeling of protein sequence and biophysical properties (such as structural, functional, and spatial information, amino acid conservation, physicochemical variation, residue mobility, and thermodynamic stability) performed at Invitae indicates that this missense variant is not expected to disrupt VPS11 protein function with a negative predictive value of 80%. In summary, the available evidence is currently insufficient to determine the role of this variant in disease. Therefore, it has been classified as a Variant of Uncertain Significance.